The following is an entry in ClinVar:

ClinVar aggregate classification (germline): Uncertain significance (1 of 4 stars; one submission).

Allele frequency attached by ClinVar (database versions not stated): TOPMed below 0.00001; gnomAD 0.00001; ExAC 0.00002.
gnomAD v4.1: 11 of 1,613,898 alleles (0.00068%); highest among the groups gnomAD compares: South Asian, 0.0011%; no homozygotes.

Submission:

CeGaT Center for Human Genetics Tuebingen
Classification: Uncertain significance. Last evaluated: 2023-01-01. Review status: criteria provided, single submitter. Criteria: CeGaT Center For Human Genetics Tuebingen Variant Classification Criteria Version 2. Collection method: clinical testing. Allele origin: germline. Affected: yes. Observed: 1 variant allele.
Comment: DMXL2: PM2

NM_001378457.1(DMXL2):c.2186G>A (p.Arg729His)

Gene: DMXL2 (Dmx like 2; minus strand). Cytogenetic location: 15q21.2.
Variant type: single nucleotide variant.
Coding change: c.2186G>A on transcript NM_001378457.1 (MANE Select); coding-DNA position 2186, G replaced by A.
Protein change: p.Arg729His; replaces arginine 729 with histidine.
Molecular consequence: missense variant. On other transcripts: non-coding transcript variant (2).
Genome position (GRCh38, 1-based): chr15:51,536,294, C>T on the plus strand (G>A on the coding strand, the complement: DMXL2 is on the minus strand). VCF-style: chr15-51536294-C-T. GRCh37 (hg19) VCF-style: chr15-51828491-C-T.
Other names: c.2186G>A, p.Arg729His (NM_001174116.3, NM_001174117.3, NM_001378458.1 and 6 more transcripts); c.1946G>A, p.Arg649His (NM_001378464.1); short protein forms R649H, R729H.
Identifiers: ClinVar variation 2498615 (VCV002498615.28), dbSNP rs761923802, ClinGen allele CA7562434.
Genomic context (GRCh38, chr15:51,536,294, plus strand): 5'-TTAATTCGAGCCAATTCTGATACTCCTCCAGTGTATGACAAAGGTCCTATTGGGTCTACA[C>T]GCCACAGAATAAGTTCACTGTAGATTGCATTTGGGTCATGAAATGTACGAGTTGCTGCAT-3'
Protein context (NP_001365386.1, residues 719-739): NAIYSELILW[Arg729His]VDPIGPLSYT